The following is an entry in ClinVar:

ClinVar aggregate classification (germline): Uncertain significance. Review status: criteria provided, multiple submitters, no conflicts (2 of 4 stars). 2 submissions from 2 submitters: Uncertain significance (2). Last evaluated 2025-10-30.

Allele frequency attached by ClinVar (database versions not stated): gnomAD exomes 0.00001; ExAC 0.00002; gnomAD 0.00002.
gnomAD v4.1: 23 of 1,613,842 alleles (0.0014%); highest among the groups gnomAD compares: East Asian, 0.0045%; no homozygotes.

Submissions (2):

Ambry Genetics
Classification: Uncertain significance. Last evaluated: 2025-10-30. Review status: criteria provided, single submitter. Criteria: Ambry Variant Classification Scheme 2023. Collection method: clinical testing. Allele origin: germline.

Labcorp Genetics (formerly Invitae), Labcorp
Classification: Uncertain significance. Last evaluated: 2022-08-22. Review status: criteria provided, single submitter. Criteria: Invitae Variant Classification Sherloc (09022015). Collection method: clinical testing. Allele origin: germline.
Comment: In summary, the available evidence is currently insufficient to determine the role of this variant in disease. Therefore, it has been classified as a Variant of Uncertain Significance. Algorithms developed to predict the effect of missense changes on protein structure and function (SIFT, PolyPhen-2, Align-GVGD) all suggest that this variant is likely to be disruptive. This variant has not been reported in the literature in individuals affected with DSCAML1-related conditions. This variant is present in population databases (rs768623591, gnomAD 0.005%). This sequence change replaces arginine, which is basic and polar, with glutamine, which is neutral and polar, at codon 1080 of the DSCAML1 protein (p.Arg1080Gln).

NM_020693.4(DSCAML1):c.3059G>A (p.Arg1020Gln)

Gene: DSCAML1 (DS cell adhesion molecule like 1; minus strand). Cytogenetic location: 11q23.3.
Variant type: single nucleotide variant.
Coding change: c.3059G>A on transcript NM_020693.4 (MANE Select); coding-DNA position 3059, G replaced by A.
Protein change: p.Arg1020Gln; replaces arginine 1020 with glutamine.
Molecular consequence: missense variant.
Genome position (GRCh38, 1-based): chr11:117,465,148, C>T on the plus strand (G>A on the coding strand, the complement: DSCAML1 is on the minus strand). VCF-style: chr11-117465148-C-T. GRCh37 (hg19) VCF-style: chr11-117335864-C-T.
Other names: c.3239G>A (NM_020693.2); short protein forms R1020Q.
Identifiers: ClinVar variation 1929885 (VCV001929885.6), dbSNP rs768623591, ClinGen allele CA6296801.
Genomic context (GRCh38, chr11:117,465,148, plus strand): 5'-ACGATGCTGTACTGCCCGTTGCTGCCGGGGCTGTTCTCTCTGTAGCCAATCTGGTAGCCC[C>T]GGATGACACCGTTCTGCAGCTCCTTCTTGGGTGCCTGTGAGCATGGGGTGGGGGTGGGCA-3'
Protein context (NP_065744.3, residues 1010-1030): PKKELQNGVI[Arg1020Gln]GYQIGYRENS